The following is an entry in ClinVar:

ClinVar aggregate classification (germline): Uncertain significance (1 of 4 stars; one submission).

gnomAD v4.1: 1 of 1,614,020 alleles (0.000062%); highest among the groups gnomAD compares: Admixed American, 0.0017%; no homozygotes.

Submission:

Labcorp Genetics (formerly Invitae), Labcorp
Classification: Uncertain significance. Last evaluated: 2025-10-01. Review status: criteria provided, single submitter. Criteria: Invitae Variant Classification Sherloc (09022015). Collection method: clinical testing. Allele origin: germline.
Comment: This sequence change replaces glutamine, which is neutral and polar, with histidine, which is basic and polar, at codon 1272 of the POLR3A protein (p.Gln1272His). This variant is present in population databases (rs753089366, gnomAD 0.003%). This variant has not been reported in the literature in individuals affected with POLR3A-related conditions. Invitae Evidence Modeling of protein sequence and biophysical properties (such as structural, functional, and spatial information, amino acid conservation, physicochemical variation, residue mobility, and thermodynamic stability) indicates that this missense variant is not expected to disrupt POLR3A protein function with a negative predictive value of 80%. In summary, the available evidence is currently insufficient to determine the role of this variant in disease. Therefore, it has been classified as a Variant of Uncertain Significance.

NM_007055.4(POLR3A):c.3816G>C (p.Gln1272His)

Gene: POLR3A (RNA polymerase III subunit A; minus strand). Cytogenetic location: 10q22.3.
Variant type: single nucleotide variant.
Coding change: c.3816G>C on transcript NM_007055.4 (MANE Select); coding-DNA position 3816, G replaced by C.
Protein change: p.Gln1272His; replaces glutamine 1272 with histidine.
Molecular consequence: missense variant.
Genome position (GRCh38, 1-based): chr10:77,981,503, C>G on the plus strand (G>C on the coding strand, the complement: POLR3A is on the minus strand). VCF-style: chr10-77981503-C-G. GRCh37 (hg19) VCF-style: chr10-79741261-C-G.
Other names: short protein forms Q1272H.
Identifiers: ClinVar variation 4703150 (VCV004703150.1).